The following is an entry in ClinVar:

NM_000540.3(RYR1):c.14314A>G (p.Ile4772Val)

Gene: RYR1 (ryanodine receptor 1; plus strand). Cytogenetic location: 19q13.2.
Variant type: single nucleotide variant.
Coding change: c.14314A>G on transcript NM_000540.3 (MANE Select); coding-DNA position 14314, A replaced by G.
Protein change: p.Ile4772Val; replaces isoleucine 4772 with valine.
Molecular consequence: missense variant.
Genome position (GRCh38, 1-based): chr19:38,578,154, A>G. VCF-style: chr19-38578154-A-G. GRCh37 (hg19) VCF-style: chr19-39068794-A-G.
Other names: c.14299A>G, p.Ile4767Val (NM_001042723.2); c.14314A>G (NM_000540.2); short protein forms I4767V, I4772V.
Identifiers: ClinVar variation 1038115 (VCV001038115.8), dbSNP rs371953926, ClinGen allele CA061105.
Genomic context (GRCh38, chr19:38,578,154, plus strand): 5'-GTGACTGGAGTCTGACACTCAAGCATCTCTCCCCACCCCCGCCCCCACAGGCTCATGTCC[A>G]TCGATGTCAAGTACCAGATCTGGAAGTTCGGGGTCATCTTCACAGACAACGTGAGCAGGG-3'
Protein context (NP_000531.2, residues 4762-4782): PPGLLTWLMS[Ile4772Val]DVKYQIWKFG

ClinVar aggregate classification (germline): Uncertain significance. Review status: criteria provided, multiple submitters, no conflicts (2 of 4 stars). 3 submissions from 3 submitters: Uncertain significance (3). Last evaluated 2024-11-29.

Conditions:
RYR1-related disorder. Also called: RYR1-related condition; RYR1-related disorders. Identifiers: MedGen CN239331.

Allele frequency attached by ClinVar (database versions not stated): ExAC 0.00003; gnomAD 0.00003; TOPMed 0.00003; gnomAD exomes below 0.00001 and 0.00001; ESP Exome Variant Server 0.00015.
gnomAD v4.1: 7 of 1,613,358 alleles (0.00043%); highest among the groups gnomAD compares: African/African-American, 0.008%; no homozygotes.

Submissions (3):

Labcorp Genetics (formerly Invitae), Labcorp
Classification: Uncertain significance for RYR1-related disorder. Last evaluated: 2024-11-29. Review status: criteria provided, single submitter. Criteria: Invitae Variant Classification Sherloc (09022015). Collection method: clinical testing. Allele origin: germline.
Comment: This sequence change replaces isoleucine, which is neutral and non-polar, with valine, which is neutral and non-polar, at codon 4772 of the RYR1 protein (p.Ile4772Val). This variant is present in population databases (rs371953926, gnomAD 0.01%). This variant has not been reported in the literature in individuals affected with RYR1-related conditions. ClinVar contains an entry for this variant (Variation ID: 1038115). Invitae Evidence Modeling of protein sequence and biophysical properties (such as structural, functional, and spatial information, amino acid conservation, physicochemical variation, residue mobility, and thermodynamic stability) indicates that this missense variant is not expected to disrupt RYR1 protein function with a negative predictive value of 80%. In summary, the available evidence is currently insufficient to determine the role of this variant in disease. Therefore, it has been classified as a Variant of Uncertain Significance.

GeneDx
Classification: Uncertain significance. Last evaluated: 2022-10-19. Review status: criteria provided, single submitter. Criteria: GeneDx Variant Classification Process June 2021. Collection method: clinical testing. Allele origin: germline. Affected: yes.
Comment: Not observed at significant frequency in large population cohorts (gnomAD); In silico analysis supports that this missense variant does not alter protein structure/function; Has not been previously published as pathogenic or benign to our knowledge

Revvity Omics, Revvity
Classification: Uncertain significance. Last evaluated: 2019-08-27. Review status: criteria provided, single submitter. Criteria: ACMG Guidelines, 2015. Collection method: clinical testing. Allele origin: germline.